The following is an entry in ClinVar:

NM_000540.3(RYR1):c.6904C>T (p.Leu2302=)

Gene: RYR1 (ryanodine receptor 1; plus strand). Cytogenetic location: 19q13.2.
Variant type: single nucleotide variant.
Coding change: c.6904C>T on transcript NM_000540.3 (MANE Select); coding-DNA position 6904, C replaced by T.
Protein change: p.Leu2302=; no amino-acid change (leucine 2302 retained).
Molecular consequence: synonymous variant.
Genome position (GRCh38, 1-based): chr19:38,499,120, C>T. VCF-style: chr19-38499120-C-T. GRCh37 (hg19) VCF-style: chr19-38989760-C-T.
Other names: c.6904C>T, p.Leu2302= (NM_001042723.2).
Identifiers: ClinVar variation 281385 (VCV000281385.9), dbSNP rs886042146, ClinGen allele CA10603865.

ClinVar aggregate classification (germline): Conflicting classifications of pathogenicity. Review status: criteria provided, conflicting classifications (1 of 4 stars). 3 submissions from 3 submitters: Uncertain significance (1); Likely benign (2). Last evaluated 2023-09-17.

Conditions:
Malignant hyperthermia, susceptibility to, 1 (MHS1). Also called: RYR1-Related Malignant Hyperthermia Susceptibility; Malignant hyperthermia suceptibility 1; Anesthesia related hyperthermia; Malignant hyperpyrexia; Fulminating hyperpyrexia; Pharmacogenic myopathy. Identifiers: Orphanet 423, MedGen C2930980, MONDO:0007783, OMIM 145600.
RYR1-related disorder. Also called: RYR1-related disorders; RYR1-related condition. Identifiers: MedGen CN239331.

Submissions (3):

All of Us Research Program, National Institutes of Health
Classification: Likely benign for Malignant hyperthermia, susceptibility to, 1. Last evaluated: 2023-09-17. Review status: criteria provided, single submitter. Criteria: ACMG Guidelines, 2015. Collection method: clinical testing. Allele origin: germline. Inheritance: Autosomal dominant inheritance. Observed: 1 variant allele, 1 heterozygote.
Comment: This study involves interpretation of variants in research participants for the purpose of population health screening. Participant phenotype was not available at the time of variant classification. Additional details can be found in publication PMID: 35346344, PMCID: PMC8962531

Labcorp Genetics (formerly Invitae), Labcorp
Classification: Likely benign for RYR1-related disorder. Last evaluated: 2022-12-03. Review status: criteria provided, single submitter. Criteria: Invitae Variant Classification Sherloc (09022015). Collection method: clinical testing. Allele origin: germline.

Eurofins Ntd Llc (ga)
Classification: Uncertain significance. Last evaluated: 2015-06-10. Review status: criteria provided, single submitter. Criteria: EGL Classification Definitions 2015. Collection method: clinical testing. Allele origin: germline. Observed: 1 variant allele, 1 heterozygote.